The following is an entry in ClinVar:

ClinVar aggregate classification (germline): Uncertain significance (1 of 4 stars; one submission).

Submission:

Women's Health and Genetics/Laboratory Corporation of America, LabCorp
Classification: Uncertain significance. Last evaluated: 2025-12-02. Review status: criteria provided, single submitter. Criteria: LabCorp Variant Classification Summary - May 2015. Collection method: clinical testing. Allele origin: germline.
Comment: Variant summary: SON c.4812T>A (p.Asp1604Glu) results in a conservative amino acid change in the encoded protein sequence. Algorithms developed to predict the effect of missense changes on protein structure and function are either unavailable or do not agree on the potential impact of this missense change. The variant was absent in 251404 control chromosomes. The available data on variant occurrences in the general population are insufficient to allow any conclusion about variant significance. To our knowledge, no occurrence of c.4812T>A in individuals affected with SON-related conditions and no experimental evidence demonstrating its impact on protein function have been reported. No submitters have cited clinical-significance assessments for this variant to ClinVar. Based on the evidence outlined above, the variant was classified as uncertain significance.

NM_138927.4(SON):c.4812T>A (p.Asp1604Glu)

Gene: SON (SON DNA and RNA binding protein; plus strand). Cytogenetic location: 21q22.11.
Variant type: single nucleotide variant.
Coding change: c.4812T>A on transcript NM_138927.4 (MANE Select); coding-DNA position 4812, T replaced by A.
Protein change: p.Asp1604Glu; replaces aspartic acid 1604 with glutamic acid.
Molecular consequence: missense variant. On other transcripts: non-coding transcript variant (1), intron variant (1).
Genome position (GRCh38, 1-based): chr21:33,554,043, T>A. VCF-style: chr21-33554043-T-A. GRCh37 (hg19) VCF-style: chr21-34926349-T-A.
Other names: c.4812T>A, p.Asp1604Glu (NM_001291411.2, NM_032195.3); c.245-3113T>A (NM_001291412.3); short protein forms D1604E.
Identifiers: ClinVar variation 4688650 (VCV004688650.1).